The following is an entry in ClinVar:

ClinVar aggregate classification (germline): Pathogenic. Review status: reviewed by expert panel (3 of 4 stars). 3 submissions from 3 submitters: Pathogenic (1). 2 of the submissions do not count toward it. Last evaluated 2016-09-08.

Conditions:
Breast-ovarian cancer, familial, susceptibility to, 2 (BROVCA2). Also called: BRCA2 Hereditary Breast and Ovarian Cancer. Identifiers: Orphanet 145, MedGen C2675520, MONDO:0012933, OMIM 612555. Disease mechanism: loss of function.

Submissions (3):

Evidence-based Network for the Interpretation of Germline Mutant Alleles (ENIGMA)
Classification: Pathogenic for Breast-ovarian cancer, familial, susceptibility to, 2. Last evaluated: 2016-09-08. Review status: reviewed by expert panel. Criteria: ENIGMA BRCA1/2 Classification Criteria (2015). Collection method: curation. Allele origin: germline.
Comment: Variant allele predicted to encode a truncated non-functional protein.

Consortium of Investigators of Modifiers of BRCA1/2 (CIMBA), c/o University of Cambridge
Classification: Pathogenic for Breast-ovarian cancer, familial, susceptibility to, 2. Last evaluated: 2015-10-02. Review status: criteria provided, single submitter. Criteria: CIMBA Mutation Classification guidelines May 2016. Collection method: clinical testing. Allele origin: germline. Not counted in ClinVar's aggregate classification.

Breast Cancer Information Core (BIC) (BRCA2)
Classification: Pathogenic for Breast-ovarian cancer, familial 2. Last evaluated: 1999-08-27. Review status: no assertion criteria provided. Collection method: clinical testing. Allele origin: unknown. Affected: yes. Observed: 1 variant allele. Not counted in ClinVar's aggregate classification.

NM_000059.4(BRCA2):c.4480dup (p.Ser1494fs)

Gene: BRCA2 (BRCA2 DNA repair associated; plus strand). Cytogenetic location: 13q13.1.
Variant type: Duplication.
Coding change: c.4480dup on transcript NM_000059.4 (MANE Select); coding-DNA position 4480, one base duplicated (A; older notation c.4480dupA).
Protein change: p.Ser1494fs; shifts the reading frame from serine 1494.
Molecular consequence: frameshift variant.
Genome position (GRCh38, 1-based): chr13:32,338,835, A duplicated; the last of 3 consecutive A bases (chr13:32,338,833-32,338,835); duplicating any one gives the same sequence. VCF-style (leftmost placement, unchanged base first): chr13-32338832-G-GA. GRCh37 (hg19) VCF-style: chr13-32912969-G-GA.
Other names: 4705insA; c.4480dupA (NM_000059.3); short protein forms S1494fs.
Identifiers: ClinVar variation 51654 (VCV000051654.5), dbSNP rs80359453, ClinGen allele CA020242.